The following is an entry in ClinVar:

NM_014915.3(ANKRD26):c.4284A>C (p.Gln1428His)

Gene: ANKRD26 (ankyrin repeat domain 26; minus strand). Cytogenetic location: 10p12.1.
Variant type: single nucleotide variant.
Coding change: c.4284A>C on transcript NM_014915.3 (MANE Select); coding-DNA position 4284, A replaced by C.
Protein change: p.Gln1428His; replaces glutamine 1428 with histidine.
Molecular consequence: missense variant.
Genome position (GRCh38, 1-based): chr10:27,017,724, T>G on the plus strand (A>C on the coding strand, the complement: ANKRD26 is on the minus strand). VCF-style: chr10-27017724-T-G. GRCh37 (hg19) VCF-style: chr10-27306653-T-G.
Other names: c.4281A>C, p.Gln1427His (NM_001256053.2); short protein forms Q1428H, Q1427H.
Identifiers: ClinVar variation 299730 (VCV000299730.10), dbSNP rs771059446, ClinGen allele CA5447817.
Genomic context (GRCh38, chr10:27,017,724, plus strand): 5'-CTGTAGTTTTTCACATTTCTTTTGTACTGTTTTCATAGATAACAACTCCTCTTGAAGAAT[T>G]TGGTTCTTTGTATCCAGATGTAGACATTTTGAACCTGCAGTCTCCAGTTCTGCTGTAAGA-3'
Protein context (NP_055730.2, residues 1418-1438): SKCLHLDTKN[Gln1428His]ILQEELLSMK

ClinVar aggregate classification (germline): Uncertain significance. Review status: criteria provided, multiple submitters, no conflicts (2 of 4 stars). 4 submissions from 4 submitters: Uncertain significance (4). Last evaluated 2025-05-05.

Conditions:
Thrombocytopenia 2 (THC2). Also called: ANKRD26-Related Thrombocytopenia. Identifiers: Orphanet 268322, MedGen C1861185, MONDO:0008555, OMIM 188000.

Allele frequency attached by ClinVar (database versions not stated): gnomAD exomes below 0.00001 and 0.00001; TOPMed below 0.00001; ExAC 0.00001.
gnomAD v4.1: 1 of 1,613,094 alleles (0.000062%); highest among the groups gnomAD compares: Admixed American, 0.0017%; no homozygotes.

Submissions (4):

Labcorp Genetics (formerly Invitae), Labcorp
Classification: Uncertain significance. Last evaluated: 2025-05-05. Review status: criteria provided, single submitter. Criteria: Invitae Variant Classification Sherloc (09022015). Collection method: clinical testing. Allele origin: germline.
Comment: This sequence change replaces glutamine, which is neutral and polar, with histidine, which is basic and polar, at codon 1428 of the ANKRD26 protein (p.Gln1428His). This variant is present in population databases (rs771059446, gnomAD 0.006%). This variant has not been reported in the literature in individuals affected with ANKRD26-related conditions. ClinVar contains an entry for this variant (Variation ID: 299730). An algorithm developed to predict the effect of missense changes on protein structure and function (PolyPhen-2) suggests that this variant is likely to be disruptive. In summary, the available evidence is currently insufficient to determine the role of this variant in disease. Therefore, it has been classified as a Variant of Uncertain Significance.

Women's Health and Genetics/Laboratory Corporation of America, LabCorp
Classification: Uncertain significance. Last evaluated: 2024-04-25. Review status: criteria provided, single submitter. Criteria: LabCorp Variant Classification Summary - May 2015. Collection method: clinical testing. Allele origin: germline.
Comment: Variant summary: ANKRD26 c.4284A>C (p.Gln1428His) results in a non-conservative amino acid change in the encoded protein sequence. Three of five in-silico tools predict a damaging effect of the variant on protein function. The variant allele was found at a frequency of 8.1e-06 in 248258 control chromosomes (gnomAD). The available data on variant occurrences in the general population are insufficient to allow any conclusion about variant significance. To our knowledge, no occurrence of c.4284A>C in individuals affected with Thrombocytopenia 2 and no experimental evidence demonstrating its impact on protein function have been reported. ClinVar contains an entry for this variant (Variation ID: 299730). Based on the evidence outlined above, the variant was classified as uncertain significance.

GeneDx
Classification: Uncertain significance. Last evaluated: 2023-12-20. Review status: criteria provided, single submitter. Criteria: GeneDx Variant Classification Process June 2021. Collection method: clinical testing. Allele origin: germline. Affected: yes.
Comment: Not observed at significant frequency in large population cohorts (gnomAD); In silico analysis supports that this missense variant has a deleterious effect on protein structure/function; Has not been previously published as pathogenic or benign to our knowledge

Illumina Laboratory Services, Illumina
Classification: Uncertain significance for Thrombocytopenia 2. Last evaluated: 2018-01-13. Review status: criteria provided, single submitter. Criteria: ICSL Variant Classification Criteria 13 December 2019. Collection method: clinical testing. Allele origin: germline.